The following is an entry in ClinVar:

NM_000094.4(COL7A1):c.4351del (p.Glu1451fs)

Gene: COL7A1 (collagen type VII alpha 1 chain; minus strand). Cytogenetic location: 3p21.31.
Variant type: Deletion.
Coding change: c.4351del on transcript NM_000094.4 (MANE Select); coding-DNA position 4351, one base deleted (G; older notation c.4351delG).
Protein change: p.Glu1451fs; shifts the reading frame from glutamic acid 1451.
Molecular consequence: frameshift variant.
Genome position (GRCh38, 1-based): chr3:48,583,606, C deleted on the plus strand (G on the coding strand, the reverse complement: COL7A1 is on the minus strand). VCF-style (leftmost placement, unchanged base first): chr3-48583605-TC-T. GRCh37 (hg19) VCF-style: chr3-48621038-TC-T.
Other names: c.4351delG, p.Glu1451Argfs (NM_000094.3); c.4351del (NM_000094.3); short protein forms E1451fs.
Identifiers: ClinVar variation 2747138 (VCV002747138.5), dbSNP rs2531148361, ClinGen allele CA2697550921.

ClinVar aggregate classification (germline): Pathogenic/Likely pathogenic. Review status: criteria provided, multiple submitters, no conflicts (2 of 4 stars). 2 submissions from 2 submitters: Pathogenic (1); Likely pathogenic (1). Last evaluated 2025-04-07.

Conditions:
Epidermolysis bullosa dystrophica. Also called: Dystrophic epidermolysis bullosa, Hallopeau-Siemens type (formerly); Dystrophic epidermolysis bullosa. Identifiers: Orphanet 303, MedGen C0079294, MONDO:0006543.

Submissions (2):

Natera, Inc.
Classification: Likely pathogenic for Dystrophic epidermolysis bullosa. Last evaluated: 2025-04-07. Review status: criteria provided, single submitter. Criteria: Natera Variant Classification Schema (03/2026). Collection method: clinical testing. Allele origin: germline.
Comment: The c.4351del variant in COL7A1 is a frameshift variant predicted to shift the reading frame beginning at codon 1451 and leads to a stop codon 259 codons downstream. This variant is expected to result in nonsense mediated decay, truncation, or a dysfunctional protein product. This variant is rare in the general population with a frequency below the threshold expected for the associated phenotype(s). Given the available evidence, this variant is classified as Likely Pathogenic.

Labcorp Genetics (formerly Invitae), Labcorp
Classification: Pathogenic. Last evaluated: 2023-07-26. Review status: criteria provided, single submitter. Criteria: Invitae Variant Classification Sherloc (09022015). Collection method: clinical testing. Allele origin: germline.
Comment: For these reasons, this variant has been classified as Pathogenic. Algorithms developed to predict the effect of sequence changes on RNA splicing suggest that this variant may create or strengthen a splice site. This variant has not been reported in the literature in individuals affected with COL7A1-related conditions. This variant is not present in population databases (gnomAD no frequency). This sequence change creates a premature translational stop signal (p.Glu1451Argfs*259) in the COL7A1 gene. It is expected to result in an absent or disrupted protein product. Loss-of-function variants in COL7A1 are known to be pathogenic (PMID: 16971478).

Literature cited by the submitters: PubMed 16971478 (cited by Labcorp Genetics (formerly Invitae), Labcorp).